The following is an entry in ClinVar:

ClinVar aggregate classification (germline): Uncertain significance (1 of 4 stars; one submission).

Conditions:
Long QT syndrome (LQTS). Identifiers: MedGen C0023976, MeSH D008133, MONDO:0002442. Disease mechanism: loss of function. Inheritance: Various modes of inheritance.

Submission:

All of Us Research Program, National Institutes of Health
Classification: Uncertain significance for Long QT syndrome. Last evaluated: 2024-01-08. Review status: criteria provided, single submitter. Criteria: ACMG Guidelines, 2015. Collection method: clinical testing. Allele origin: germline. Inheritance: Autosomal dominant inheritance. Observed: 1 variant allele, 1 heterozygote.
Comment: This missense variant replaces leucine with arginine at codon 973 of the KCNH2 protein. Computational prediction is inconclusive regarding the impact of this variant on protein structure and function (internally defined REVEL score threshold 0.5 < inconclusive < 0.7, PMID: 27666373). To our knowledge, functional studies have not been reported for this variant. This variant has not been reported in individuals affected with KCNH2-related disorders in the literature. This variant has not been identified in the general population by the Genome Aggregation Database (gnomAD). The available evidence is insufficient to determine the role of this variant in disease conclusively. Therefore, this variant is classified as a Variant of Uncertain Significance.

This study involves interpretation of variants in research participants for the purpose of population health screening. Participant phenotype was not available at the time of variant classification. Additional details can be found in publication PMID: 35346344, PMCID: PMC8962531

NM_000238.4(KCNH2):c.2918T>G (p.Leu973Arg)

Gene: KCNH2 (potassium voltage-gated channel subfamily H member 2; minus strand). Cytogenetic location: 7q36.1.
Variant type: single nucleotide variant.
Coding change: c.2918T>G on transcript NM_000238.4 (MANE Select); coding-DNA position 2918, T replaced by G.
Protein change: p.Leu973Arg; replaces leucine 973 with arginine.
Molecular consequence: missense variant. On other transcripts: non-coding transcript variant (2).
Genome position (GRCh38, 1-based): chr7:150,947,653, A>C on the plus strand (T>G on the coding strand, the complement: KCNH2 is on the minus strand). VCF-style: chr7-150947653-A-C. GRCh37 (hg19) VCF-style: chr7-150644741-A-C.
Other names: c.2630T>G, p.Leu877Arg (NM_001406753.1); c.1898T>G, p.Leu633Arg (NM_172057.3); short protein forms L633R, L877R, L973R.
Identifiers: ClinVar variation 3075294 (VCV003075294.1), dbSNP rs2486006560, ClinGen allele CA369853139.